The following is an entry in ClinVar:

NM_001723.7(DST):c.6352G>A (p.Gly2118Ser)

Gene: DST (dystonin; minus strand). Cytogenetic location: 6p12.1.
Variant type: single nucleotide variant.
Coding change: c.6352G>A on transcript NM_001723.7 (MANE Plus Clinical); coding-DNA position 6352, G replaced by A.
Protein change: p.Gly2118Ser; replaces glycine 2118 with serine.
Molecular consequence: missense variant. On other transcripts: intron variant (10).
Genome position (GRCh38, 1-based): chr6:56,617,115, C>T on the plus strand (G>A on the coding strand, the complement: DST is on the minus strand). VCF-style: chr6-56617115-C-T. GRCh37 (hg19) VCF-style: chr6-56481913-C-T.
Other names: c.4831-2631G>A (NM_001144769.5); c.4930-2631G>A (NM_001374722.1, NM_001374736.1); c.4957-2631G>A (NM_001374734.1); c.4417-2631G>A (NM_001144770.2); c.4297-2631G>A (NM_001374730.1, NM_001386100.1, NM_183380.4 and 1 more transcripts); c.3319-2631G>A (NM_015548.5); short protein forms G2118S.
Identifiers: ClinVar variation 541438 (VCV000541438.9), dbSNP rs747676783, ClinGen allele CA3870181.

ClinVar aggregate classification (germline): Uncertain significance (1 of 4 stars; one submission).

Conditions:
Hereditary sensory and autonomic neuropathy type 6. Also called: HSAN VI; Neuropathy, hereditary sensory and autonomic, type VI. Identifiers: Orphanet 314381, MedGen C3539003, MONDO:0013839, OMIM 614653.
Epidermolysis bullosa simplex 3, localized or generalized intermediate, with BP230 deficiency (EBS3). Also called: Epidermolysis bullosa simplex, autosomal recessive 2; Epidermolysis bullosa simplex due to BP230 deficiency. Identifiers: Orphanet 412181, MedGen C3809470, MONDO:0014180, OMIM 615425.

Allele frequency attached by ClinVar (database versions not stated): TOPMed 0.00002.
gnomAD v4.1: 29 of 1,611,620 alleles (0.0018%); highest among the groups gnomAD compares: Admixed American, 0.005%; no homozygotes.

Submission:

Labcorp Genetics (formerly Invitae), Labcorp
Classification: Uncertain significance for Epidermolysis bullosa simplex 3, localized or generalized intermediate, with BP230 deficiency; Hereditary sensory and autonomic neuropathy type 6. Last evaluated: 2025-06-10. Review status: criteria provided, single submitter. Criteria: Invitae Variant Classification Sherloc (09022015). Collection method: clinical testing. Allele origin: germline.
Comment: This sequence change replaces glycine, which is neutral and non-polar, with serine, which is neutral and polar, at codon 2118 of the DST protein (p.Gly2118Ser). This variant is present in population databases (rs747676783, gnomAD 0.02%). This variant has not been reported in the literature in individuals affected with DST-related conditions. ClinVar contains an entry for this variant (Variation ID: 541438). An algorithm developed to predict the effect of missense changes on protein structure and function (PolyPhen-2) suggests that this variant is likely to be tolerated. In summary, the available evidence is currently insufficient to determine the role of this variant in disease. Therefore, it has been classified as a Variant of Uncertain Significance.